The following is an entry in ClinVar:

ClinVar aggregate classification (germline): Uncertain significance (1 of 4 stars; one submission).

Submission:

Ambry Genetics
Classification: Uncertain significance. Last evaluated: 2025-11-15. Review status: criteria provided, single submitter. Criteria: Ambry Variant Classification Scheme 2023. Collection method: clinical testing. Allele origin: germline.
Comment: The p.K1478N variant (also known as c.4434A>C), located in coding exon 40 of the KIF1B gene, results from an A to C substitution at nucleotide position 4434. The lysine at codon 1478 is replaced by asparagine, an amino acid with similar properties. This amino acid position is conserved. In addition, this alteration is predicted to be tolerated by in silico analysis. Based on the available evidence, the clinical significance of this variant remains unclear.

NM_001365951.3(KIF1B):c.4572A>C (p.Lys1524Asn)

Gene: KIF1B (kinesin family member 1B; plus strand). Cytogenetic location: 1p36.22.
Variant type: single nucleotide variant.
Coding change: c.4572A>C on transcript NM_001365951.3 (MANE Select); coding-DNA position 4572, A replaced by C.
Protein change: p.Lys1524Asn; replaces lysine 1524 with asparagine.
Molecular consequence: missense variant.
Genome position (GRCh38, 1-based): chr1:10,365,468, A>C. VCF-style: chr1-10365468-A-C. GRCh37 (hg19) VCF-style: chr1-10425526-A-C.
Other names: c.4572A>C, p.Lys1524Asn (NM_001365952.1); c.4434A>C, p.Lys1478Asn (NM_015074.3); short protein forms K1478N, K1524N.
Identifiers: ClinVar variation 4543674 (VCV004543674.1).